The following is an entry in ClinVar:

NM_032638.5(GATA2):c.65C>A (p.Pro22His)

Gene: GATA2 (GATA binding protein 2; minus strand). Cytogenetic location: 3q21.3.
Variant type: single nucleotide variant.
Coding change: c.65C>A on transcript NM_032638.5 (MANE Select); coding-DNA position 65, C replaced by A.
Protein change: p.Pro22His; replaces proline 22 with histidine.
Molecular consequence: missense variant.
Genome position (GRCh38, 1-based): chr3:128,486,967, G>T on the plus strand (C>A on the coding strand, the complement: GATA2 is on the minus strand). VCF-style: chr3-128486967-G-T. GRCh37 (hg19) VCF-style: chr3-128205810-G-T.
Other names: c.65C>A, p.Pro22His (NM_001145661.2, NM_001145662.1); c.65C>A (NM_001145661.1); short protein forms P22H.
Identifiers: ClinVar variation 1367410 (VCV001367410.9), dbSNP rs1430054108, ClinGen allele CA354409085.

ClinVar aggregate classification (germline): Uncertain significance. Review status: criteria provided, multiple submitters, no conflicts (2 of 4 stars). 2 submissions from 2 submitters: Uncertain significance (2). Last evaluated 2026-07-06.

Conditions:
Deafness-lymphedema-leukemia syndrome. Also called: Lymphedema, primary, with myelodysplasia; Emberger syndrome. Identifiers: Orphanet 3226, MedGen C3279664, MONDO:0013540, OMIM 614038.
Monocytopenia with susceptibility to infections. Also called: MONOCYTOPENIA AND MYCOBACTERIAL INFECTION SYNDROME; MONOCYTOPENIA WITH SUSCEPTIBILITY TO MYCOBACTERIAL, FUNGAL, AND PAPILLOMAVIRUS INFECTIONS AND MYELODYSPLASIA; COMBINED IMMUNODEFICIENCY WITH SUSCEPTIBILITY TO MYCOBACTERIAL, VIRAL, AND FUNGAL INFECTIONS; Dendritic cell, monocyte, B lymphocyte, and natural killer lymphocyte deficiency; IMMUNODEFICIENCY 21; GATA2 DEFICIENCY. Identifiers: Orphanet 228423, MedGen C3280030, MONDO:0013607, OMIM 614172.
Inborn genetic diseases. Identifiers: MedGen C0950123, MeSH D030342.

gnomAD v4.1: 2 of 1,611,726 alleles (0.00012%); highest among the groups gnomAD compares: Non-Finnish European, 0.00017%; no homozygotes.

Submissions (2):

Ambry Genetics
Classification: Uncertain significance for Inborn genetic diseases. Last evaluated: 2026-07-06. Review status: criteria provided, single submitter. Criteria: Ambry Variant Classification Scheme 2023. Collection method: clinical testing. Allele origin: germline.
Comment: The p.P22H variant (also known as c.65C>A), located in coding exon 1 of the GATA2 gene, results from a C to A substitution at nucleotide position 65. The proline at codon 22 is replaced by histidine, an amino acid with similar properties. This amino acid position is conserved. In addition, this alteration is predicted to be deleterious by in silico analysis. Based on the available evidence, the clinical significance of this variant remains unclear.

Labcorp Genetics (formerly Invitae), Labcorp
Classification: Uncertain significance for Monocytopenia with susceptibility to infections; Deafness-lymphedema-leukemia syndrome. Last evaluated: 2021-01-12. Review status: criteria provided, single submitter. Criteria: Invitae Variant Classification Sherloc (09022015). Collection method: clinical testing. Allele origin: germline.
Comment: This sequence change replaces proline with histidine at codon 22 of the GATA2 protein (p.Pro22His). The proline residue is moderately conserved and there is a moderate physicochemical difference between proline and histidine. In summary, the available evidence is currently insufficient to determine the role of this variant in disease. Therefore, it has been classified as a Variant of Uncertain Significance. Algorithms developed to predict the effect of missense changes on protein structure and function are either unavailable or do not agree on the potential impact of this missense change (SIFT: "Deleterious"; PolyPhen-2: "Probably Damaging"; Align-GVGD: "Class C0"). This variant has not been reported in the literature in individuals with GATA2-related conditions. This variant is not present in population databases (ExAC no frequency).